The following is an entry in ClinVar:

ClinVar aggregate classification (germline): Uncertain significance (1 of 4 stars; one submission).

Allele frequency attached by ClinVar (database versions not stated): gnomAD exomes below 0.00001 and 0.00001; ExAC 0.00001.
gnomAD v4.1: 10 of 1,614,176 alleles (0.00062%); highest among the groups gnomAD compares: African/African-American, 0.0027%; no homozygotes.

Submission:

GeneDx
Classification: Uncertain significance. Last evaluated: 2021-03-08. Review status: criteria provided, single submitter. Criteria: GeneDx Variant Classification Process June 2021. Collection method: clinical testing. Allele origin: germline. Affected: yes.
Comment: Not observed at a significant frequency in large population cohorts (Lek et al., 2016); In silico analysis supports that this missense variant has a deleterious effect on protein structure/function; Has not been previously published as pathogenic or benign to our knowledge

NM_017534.6(MYH2):c.1528G>A (p.Glu510Lys)

Genes: MYH2 (myosin heavy chain 2; minus strand), MYHAS (myosin heavy chain gene cluster antisense RNA; plus strand). Cytogenetic location: 17p13.1.
Variant type: single nucleotide variant.
Coding change: c.1528G>A on transcript NM_017534.6 (MANE Select); coding-DNA position 1528, G replaced by A.
Protein change: p.Glu510Lys; replaces glutamic acid 510 with lysine.
Molecular consequence: missense variant.
Genome position (GRCh38, 1-based): chr17:10,537,724, C>T on the plus strand (G>A on the coding strand, the complement: MYH2 is on the minus strand). VCF-style: chr17-10537724-C-T. GRCh37 (hg19) VCF-style: chr17-10441041-C-T.
Other names: c.1528G>A, p.Glu510Lys (NM_001100112.2); short protein forms E510K.
Identifiers: ClinVar variation 1314151 (VCV001314151.2), dbSNP rs772963819, ClinGen allele CA8391355.